The following is an entry in ClinVar:

NM_007294.4(BRCA1):c.1706A>G (p.Asn569Ser)

Gene: BRCA1 (BRCA1 DNA repair associated; minus strand). Cytogenetic location: 17q21.31.
Variant type: single nucleotide variant.
Coding change: c.1706A>G on transcript NM_007294.4 (MANE Select); coding-DNA position 1706, A replaced by G.
Protein change: p.Asn569Ser; replaces asparagine 569 with serine.
Molecular consequence: missense variant. On other transcripts: intron variant (137).
Genome position (GRCh38, 1-based): chr17:43,093,825, T>C on the plus strand (A>G on the coding strand, the complement: BRCA1 is on the minus strand). VCF-style: chr17-43093825-T-C. GRCh37 (hg19) VCF-style: chr17-41245842-T-C.
Other names: c.1493A>G, p.Asn498Ser (NM_001407571.1, NM_001407896.1, NM_001407897.1 and 9 more transcripts); c.1706A>G, p.Asn569Ser (NM_001407581.1, NM_001407582.1, NM_001407583.1 and 30 more transcripts); c.1703A>G, p.Asn568Ser (NM_001407587.1, NM_001407590.1, NM_001407591.1 and 22 more transcripts); c.1697A>G, p.Asn566Ser (NM_001407646.1, NM_001407647.1); c.1583A>G, p.Asn528Ser (NM_001407648.1, NM_001407666.1, NM_001407667.1 and 19 more transcripts); c.1580A>G, p.Asn527Ser (NM_001407649.1, NM_001407670.1, NM_001407671.1 and 11 more transcripts); c.1628A>G, p.Asn543Ser (NM_001407653.1, NM_001407654.1, NM_001407655.1 and 4 more transcripts); c.1565A>G, p.Asn522Ser (NM_001407692.1, NM_001407694.1, NM_001407730.1 and 29 more transcripts); and 40 more; short protein forms N522S, N569S, N273S, N521S, N543S, N566S, N401S, N480S.
Identifiers: ClinVar variation 819849 (VCV000819849.10), dbSNP rs1060502329, ClinGen allele CA10598615.

ClinVar aggregate classification (germline): Conflicting classifications of pathogenicity. Review status: criteria provided, conflicting classifications (1 of 4 stars). 4 submissions from 4 submitters: Uncertain significance (3); Likely benign (1). Last evaluated 2026-06-17.

Conditions:
Hereditary cancer-predisposing syndrome. Also called: Tumor predisposition; Hereditary neoplastic syndrome; Neoplastic Syndromes, Hereditary; Hereditary Cancer Syndrome. Identifiers: Orphanet 140162, MedGen C0027672, MeSH D009386, MONDO:0015356.
Hereditary breast ovarian cancer syndrome. Also called: Hereditary breast and ovarian cancer; BRCA1- and BRCA2-Associated Hereditary Breast and Ovarian Cancer; Hereditary breast and ovarian cancer syndrome (HBOC); Hereditary breast and/or ovarian cancer syndrome; Breast and ovarian cancer; Hereditary breast and ovarian cancer syndrome. Identifiers: Orphanet 145, MedGen C0677776, MeSH D061325, MONDO:0003582. Disease mechanism: loss of function.

Allele frequency attached by ClinVar (database versions not stated): gnomAD exomes below 0.00001.
gnomAD v4.1: 2 of 1,613,484 alleles (0.00012%); highest among the groups gnomAD compares: Non-Finnish European, 0.00017%; no homozygotes.

Submissions (4):

Women's Health and Genetics/Laboratory Corporation of America, LabCorp
Classification: Uncertain significance. Last evaluated: 2026-06-17. Review status: criteria provided, single submitter. Criteria: LabCorp Variant Classification Summary - May 2015. Collection method: clinical testing. Allele origin: germline.
Comment: Variant summary: BRCA1 c.1706A>G (p.Asn569Ser) results in a conservative amino acid change in the encoded protein sequence. Algorithms developed to predict the effect of missense changes on protein structure and function are either unavailable or do not agree on the potential impact of this missense change. The variant was absent in 250480 control chromosomes. The available data on variant occurrences in the general population are insufficient to allow any conclusion about variant significance. To our knowledge, no occurrence of c.1706A>G in individuals affected with BRCA1-related conditions and no experimental evidence demonstrating its impact on protein function have been reported. ClinVar contains an entry for this variant (Variation ID: 819849). Based on the evidence outlined above, the variant was classified as uncertain significance.

Ambry Genetics
Classification: Uncertain significance for Hereditary cancer-predisposing syndrome. Last evaluated: 2023-11-14. Review status: criteria provided, single submitter. Criteria: Ambry Variant Classification Scheme 2023. Collection method: clinical testing. Allele origin: germline.
Comment: The p.N569S variant (also known as c.1706A>G), located in coding exon 9 of the BRCA1 gene, results from an A to G substitution at nucleotide position 1706. The asparagine at codon 569 is replaced by serine, an amino acid with highly similar properties. This amino acid position is not well conserved in available vertebrate species. In addition, the in silico prediction for this alteration is inconclusive. Since supporting evidence is limited at this time, the clinical significance of this alteration remains unclear.

University of Washington Department of Laboratory Medicine, University of Washington
Classification: Likely benign for Hereditary cancer-predisposing syndrome. Last evaluated: 2023-03-23. Review status: criteria provided, single submitter. Criteria: Dines et al. (Genet Med. 2020). Collection method: curation. Allele origin: germline.
Comment: Missense variant in a coldspot region where missense variants are very unlikely to be pathogenic (PMID:31911673).

BRCA1 coldspot (exon 11 using historical exon numbering). Reclassification based on statistical prior probability

Labcorp Genetics (formerly Invitae), Labcorp
Classification: Uncertain significance for Hereditary breast ovarian cancer syndrome. Last evaluated: 2022-10-11. Review status: criteria provided, single submitter. Criteria: Invitae Variant Classification Sherloc (09022015). Collection method: clinical testing. Allele origin: germline.
Comment: This sequence change replaces asparagine, which is neutral and polar, with serine, which is neutral and polar, at codon 569 of the BRCA1 protein (p.Asn569Ser). This variant is not present in population databases (gnomAD no frequency). This variant has not been reported in the literature in individuals affected with BRCA1-related conditions. ClinVar contains an entry for this variant (Variation ID: 819849). Advanced modeling of protein sequence and biophysical properties (such as structural, functional, and spatial information, amino acid conservation, physicochemical variation, residue mobility, and thermodynamic stability) performed at Invitae indicates that this missense variant is not expected to disrupt BRCA1 protein function. In summary, the available evidence is currently insufficient to determine the role of this variant in disease. Therefore, it has been classified as a Variant of Uncertain Significance.